The following is an entry in ClinVar:

ClinVar aggregate classification (germline): Uncertain significance (1 of 4 stars; one submission).

Submission:

Labcorp Genetics (formerly Invitae), Labcorp
Classification: Uncertain significance. Last evaluated: 2025-04-15. Review status: criteria provided, single submitter. Criteria: Invitae Variant Classification Sherloc (09022015). Collection method: clinical testing. Allele origin: germline.
Comment: This sequence change falls in intron 7 of the MKL1 gene. It does not directly change the encoded amino acid sequence of the MKL1 protein. It affects a nucleotide within the consensus splice site. This variant is not present in population databases (gnomAD no frequency). This variant has not been reported in the literature in individuals affected with MKL1-related conditions. Variants that disrupt the consensus splice site are a relatively common cause of aberrant splicing (PMID: 17576681, 9536098). Algorithms developed to predict the effect of sequence changes on RNA splicing suggest that this variant is not likely to affect RNA splicing. In summary, the available evidence is currently insufficient to determine the role of this variant in disease. Therefore, it has been classified as a Variant of Uncertain Significance.

Literature cited by the submitters: PubMed 17576681; PubMed 9536098.

NM_020831.6(MRTFA):c.601+6G>A

Gene: MRTFA (myocardin related transcription factor A; minus strand). Cytogenetic location: 22q13.1.
Variant type: single nucleotide variant.
Coding change: c.601+6G>A on transcript NM_020831.6 (MANE Select); 6 bases into the intron after coding-DNA position 601, G replaced by A.
Molecular consequence: intron variant.
Genome position (GRCh38, 1-based): chr22:40,429,600, C>T on the plus strand (G>A on the coding strand, the complement: MRTFA is on the minus strand). VCF-style: chr22-40429600-C-T. GRCh37 (hg19) VCF-style: chr22-40825604-C-T.
Other names: c.601+6G>A (NM_001282661.3, NM_001282662.3); c.406+6G>A (NM_001318139.2); c.301+6G>A (NM_001282660.2).
Identifiers: ClinVar variation 4770306 (VCV004770306.1).